The following is an entry in ClinVar:

NC_000023.11:g.(?_91518032)_(100278639_?)del

Genes: DIAPH2 (diaphanous related formin 2; plus strand), DIAPH2-AS1 (DIAPH2 antisense RNA 1; minus strand), FAM133A (family with sequence similarity 133 member A; plus strand), LINC03077 (long independently transcribed non-coding RNA 3077; plus strand), MIR548M (microRNA 548m; minus strand) and 16 more. Cytogenetic location: Xq21.31-22.1.
Variant type: Deletion.
Identifiers: ClinVar variation 4974534 (VCV004974534.1).

ClinVar aggregate classification (germline): Pathogenic (1 of 4 stars; one submission).

Conditions:
Developmental and epileptic encephalopathy, 9 (DEE9). Also called: Early infantile epileptic encephalopathy 9; EPILEPSY, FEMALE-RESTRICTED, WITH MENTAL RETARDATION; JUBERG-HELLMAN SYNDROME; PCDH19-Related X-Linked Female-Limited Epilepsy with Mental Retardation. Identifiers: Orphanet 101039, Orphanet 2076, MedGen C1848137, MONDO:0010246, OMIM 300088. Disease mechanism: loss of function.

Submission:

Solve-RD Consortium
Classification: Pathogenic for Developmental and epileptic encephalopathy, 9. Review status: criteria provided, single submitter. Criteria: ACMG/ClinGen CNV Guidelines, 2019. Collection method: provider interpretation. Allele origin: germline. Inheritance: X-linked inheritance. Affected: yes. Study: Solve-RD DIFT-EpiCARE reanalysis.
Comment: 2A, 4B

Variant identified during reanalysis of unsolved cases by the Solve-RD project. The Solve-RD project has received funding from the European Union’s Horizon 2020 research and innovation programme under grant agreement No 779257.